The following is an entry in ClinVar:

NM_000518.5(HBB):c.167T>C (p.Met56Thr)

Genes: HBB (hemoglobin subunit beta; minus strand), LOC106099062 (HBB recombination region; plus strand), LOC107133510 (origin of replication at HBB; plus strand). Cytogenetic location: 11p15.4.
Variant type: single nucleotide variant.
Coding change: c.167T>C on transcript NM_000518.5 (MANE Select); coding-DNA position 167, T replaced by C.
Protein change: p.Met56Thr; replaces methionine 56 with threonine.
Molecular consequence: missense variant.
Genome position (GRCh38, 1-based): chr11:5,226,725, A>G on the plus strand (T>C on the coding strand, the complement: HBB is on the minus strand). VCF-style: chr11-5226725-A-G. GRCh37 (hg19) VCF-style: chr11-5247955-A-G.
Other names: short protein forms M56T.
Identifiers: ClinVar variation 928761 (VCV000928761.2), dbSNP rs35094013, ClinGen allele CA379273911.

ClinVar aggregate classification (germline): Uncertain significance. Review status: criteria provided, single submitter (1 of 4 stars). 2 submissions from 2 submitters: Uncertain significance (1). 1 of the submissions does not count toward it. Last evaluated 2019-12-16.

Conditions:
beta Thalassemia (BTHAL). Also called: Cooley's anemia; Erythroblastic anemia; Mediterranean anemia. Identifiers: Orphanet 848, MedGen C0005283, MONDO:0019402. Disease mechanism: loss of function.

Submissions (2):

Women's Health and Genetics/Laboratory Corporation of America, LabCorp
Classification: Uncertain significance. Last evaluated: 2019-12-16. Review status: criteria provided, single submitter. Criteria: LabCorp Variant Classification Summary - May 2015. Collection method: clinical testing. Allele origin: germline.
Comment: Variant summary: HBB c.167T>C (p.Met56Thr) results in a non-conservative amino acid change located in the Globin domain (IPR000971) of the encoded protein sequence. Four of five in-silico tools predict a damaging effect of the variant on protein function. The variant was absent in 251452 control chromosomes (gnomAD). The available data on variant occurrences in the general population are insufficient to allow any conclusion about variant significance. To our knowledge, no occurrence of c.167T>C in individuals affected with Hemoglobinopathy and no experimental evidence demonstrating its impact on protein function have been reported. Another nucleotide change affecting the same codon (c.167T>A, p.M56K) has been reported in patients in HGMD database. No clinical diagnostic laboratories have submitted clinical-significance assessments for this variant to ClinVar after 2014. Based on the evidence outlined above, the variant was classified as uncertain significance.

Natera, Inc.
Classification: Uncertain significance for Beta thalassemia. Last evaluated: 2021-07-15. Review status: no assertion criteria provided. Collection method: clinical testing. Allele origin: germline. Not counted in ClinVar's aggregate classification.